The following is an entry in ClinVar:

NM_005120.3(MED12):c.6097A>G (p.Met2033Val)

Gene: MED12 (mediator complex subunit 12; plus strand). Cytogenetic location: Xq13.1.
Variant type: single nucleotide variant.
Coding change: c.6097A>G on transcript NM_005120.3 (MANE Select); coding-DNA position 6097, A replaced by G.
Protein change: p.Met2033Val; replaces methionine 2033 with valine.
Molecular consequence: missense variant.
Genome position (GRCh38, 1-based): chrX:71,140,687, A>G. VCF-style: chrX-71140687-A-G. GRCh37 (hg19) VCF-style: chrX-70360537-A-G.
Other names: short protein forms M2033V.
Identifiers: ClinVar variation 213627 (VCV000213627.19), dbSNP rs372606012, ClinGen allele CA319847.
Genomic context (GRCh38, chrX:71,140,687, plus strand): 5'-CTTTGGAGGTTTTCACACCAGACACTGCAGCAGACACCCATGATAAGTACCATGACTCCA[A>G]TGAGTGCCCAGGGCGTCCAGGCAGGCGTCCGTTCAACAGCCATCCTACCTGAGCAGCAGC-3'
Protein context (NP_005111.2, residues 2023-2043): QTPMISTMTP[Met2033Val]SAQGVQAGVR

ClinVar aggregate classification (germline): Conflicting classifications of pathogenicity. Review status: criteria provided, conflicting classifications (1 of 4 stars). 6 submissions from 6 submitters: Uncertain significance (1); Benign (1); Likely benign (3). 1 of the submissions does not count toward it. Last evaluated 2026-02-02.

Conditions:
FG syndrome (FGS). Identifiers: MedGen C0220769, MONDO:0002010.
MED12-Related Disorders. Also called: MED12-related condition; MED12-related disorder. Identifiers: MedGen CN381102.
FG syndrome 1 (OKS). Also called: FG Syndrome Type 1 (FGS1); OPITZ-KAVEGGIA SYNDROME; KELLER SYNDROME; MENTAL RETARDATION, LARGE HEAD, IMPERFORATE ANUS, CONGENITAL HYPOTONIA, AND PARTIAL AGENESIS OF CORPUS CALLOSUM. Identifiers: Orphanet 93932, MedGen C5399762, MONDO:0010590, OMIM 305450.
X-linked intellectual disability with marfanoid habitus. Also called: Lujan Syndrome (LS); X-linked mental retardation with marfanoid habitus syndrome; Lujan Syndrome; INTELLECTUAL DEVELOPMENTAL DISORDER, X-LINKED, SYNDROMIC, LUJAN-FRYNS TYPE. Identifiers: Orphanet 776, MedGen C0796022, MONDO:0010655, OMIM 309520.
Blepharophimosis - intellectual disability syndrome, MKB type. Also called: X-Linked Ohdo Syndrome (XLOS); BLEPHAROPHIMOSIS-MENTAL RETARDATION SYNDROME, MAAT-KIEVIT-BRUNNER TYPE; Ohdo syndrome, X-linked. Identifiers: Orphanet 293707, MedGen C3698541, MONDO:0010477, OMIM 300895.
Familial thoracic aortic aneurysm and aortic dissection (TAAD). Also called: Thoracic aortic aneurysms and dissections. Identifiers: Orphanet 91387, MedGen C4707243, MONDO:0019625.

Allele frequency attached by ClinVar (database versions not stated): ExAC 0.00005; gnomAD exomes 0.00005 and 0.00006; gnomAD 0.00006 and 0.00007; ESP Exome Variant Server 0.00010; TOPMed 0.00010; 1000 Genomes Project 30x 0.00021; 1000 Genomes Project 0.00026.
gnomAD v4.1: 59 of 1,207,745 alleles (0.0049%); highest among the groups gnomAD compares: South Asian, 0.019%; no homozygotes.

Submissions (6):

Labcorp Genetics (formerly Invitae), Labcorp
Classification: Benign for FG syndrome. Last evaluated: 2026-02-02. Review status: criteria provided, single submitter. Criteria: Invitae Variant Classification Sherloc (09022015). Collection method: clinical testing. Allele origin: germline.

Blueprint Genetics
Classification: Likely benign. Last evaluated: 2024-09-02. Review status: criteria provided, single submitter. Criteria: ACMG Guidelines, 2015. Collection method: clinical testing. Allele origin: germline.

Ambry Genetics
Classification: Likely benign for Familial thoracic aortic aneurysm and aortic dissection. Last evaluated: 2024-04-08. Review status: criteria provided, single submitter. Criteria: Ambry Variant Classification Scheme 2023. Collection method: clinical testing. Allele origin: germline.

GeneDx
Classification: Likely benign. Last evaluated: 2021-05-13. Review status: criteria provided, single submitter. Criteria: GeneDx Variant Classification Process June 2021. Collection method: clinical testing. Allele origin: germline. Affected: yes.
Comment: Has not been previously published as pathogenic or benign to our knowledge

Fulgent Genetics
Classification: Uncertain significance for Blepharophimosis - intellectual disability syndrome, MKB type; FG syndrome 1; X-linked intellectual disability with marfanoid habitus. Last evaluated: 2018-10-31. Review status: criteria provided, single submitter. Criteria: ACMG Guidelines, 2015. Collection method: clinical testing. Allele origin: unknown.

PreventionGenetics, part of Exact Sciences
Classification: Likely benign for MED12-related condition. Last evaluated: 2023-04-22. Review status: no assertion criteria provided. Collection method: clinical testing. Allele origin: germline. Not counted in ClinVar's aggregate classification.
Comment: This variant is classified as likely benign based on ACMG/AMP sequence variant interpretation guidelines (Richards et al. 2015 PMID: 25741868, with internal and published modifications).